The following is an entry in ClinVar:

ClinVar aggregate classification (germline): Uncertain significance. Review status: criteria provided, multiple submitters, no conflicts (2 of 4 stars). 3 submissions from 3 submitters: Uncertain significance (2). 1 of the submissions does not count toward it. Last evaluated 2022-06-27.

Conditions:
Usher syndrome type 1F (USH1F). Also called: USHER SYNDROME, TYPE IF. Identifiers: Orphanet 231169, Orphanet 886, MedGen C1865885, MONDO:0011186, OMIM 602083.

Submissions (3):

Labcorp Genetics (formerly Invitae), Labcorp
Classification: Uncertain significance. Last evaluated: 2022-06-27. Review status: criteria provided, single submitter. Criteria: Invitae Variant Classification Sherloc (09022015). Collection method: clinical testing. Allele origin: germline.
Comment: This sequence change replaces isoleucine, which is neutral and non-polar, with threonine, which is neutral and polar, at codon 1456 of the PCDH15 protein (p.Ile1456Thr). This variant is not present in population databases (gnomAD no frequency). This variant has not been reported in the literature in individuals affected with PCDH15-related conditions. ClinVar contains an entry for this variant (Variation ID: 993842). Algorithms developed to predict the effect of missense changes on protein structure and function output the following: SIFT: "Deleterious"; PolyPhen-2: "Benign"; Align-GVGD: "Class C0". The threonine amino acid residue is found in multiple mammalian species, which suggests that this missense change does not adversely affect protein function. In summary, the available evidence is currently insufficient to determine the role of this variant in disease. Therefore, it has been classified as a Variant of Uncertain Significance.

ARUP Laboratories, Molecular Genetics and Genomics, ARUP Laboratories
Classification: Uncertain significance. Last evaluated: 2019-12-15. Review status: criteria provided, single submitter. Criteria: ARUP Molecular Germline Variant Investigation Process. Collection method: clinical testing. Allele origin: germline.
Comment: The PCDH15 c.4367T>C; p.Ile1456Thr variant, to our knowledge, is not reported in the medical literature or gene specific databases. This variant is also absent from general population databases (Exome Variant Server, Genome Aggregation Database), indicating it is not a common polymorphism. The isoleucine at codon 1456 is weakly conserved, and computational analyses (SIFT: damaging, PolyPhen-2: benign) predict conflicting effects of this variant on protein structure/function. Due to limited information, the clinical significance of the p.Ile1456Thr variant is uncertain at this time.

Natera, Inc.
Classification: Uncertain significance for Usher syndrome type 1F. Last evaluated: 2020-11-17. Review status: no assertion criteria provided. Collection method: clinical testing. Allele origin: germline. Not counted in ClinVar's aggregate classification.

NM_001384140.1(PCDH15):c.4367T>C (p.Ile1456Thr)

Gene: PCDH15 (protocadherin related 15; minus strand). Cytogenetic location: 10q21.1.
Variant type: single nucleotide variant.
Coding change: c.4367T>C on transcript NM_001384140.1 (MANE Select); coding-DNA position 4367, T replaced by C.
Protein change: p.Ile1456Thr; replaces isoleucine 1456 with threonine.
Molecular consequence: missense variant.
Genome position (GRCh38, 1-based): chr10:53,827,393, A>G on the plus strand (T>C on the coding strand, the complement: PCDH15 is on the minus strand). VCF-style: chr10-53827393-A-G. GRCh37 (hg19) VCF-style: chr10-55587153-A-G.
Other names: c.4382T>C, p.Met1461Thr (NM_001142763.2, NM_001142771.2); c.4367T>C, p.Met1456Thr (NM_001142764.2, NM_001142770.3, NM_001142772.2 and 2 more transcripts); c.4154T>C, p.Met1385Thr (NM_001142765.2); c.4358T>C, p.Ile1453Thr (NM_001142766.2); c.4247T>C, p.Ile1416Thr (NM_001142767.2); c.4301T>C, p.Met1434Thr (NM_001142768.2); c.4403T>C, p.Met1468Thr (NM_001142769.4); c.4292T>C, p.Met1431Thr (NM_001142773.2); and 3 more; short protein forms I1416T, I1434T, I1453T, I1456T, M1385T, M1431T, M1434T, M1456T.
Identifiers: ClinVar variation 993842 (VCV000993842.14), dbSNP rs2076749331, ClinGen allele CA376527553.
Genomic context (GRCh38, chr10:53,827,393, plus strand): 5'-CACCACACAGAATTCAGTAAAACCCAACTACTTCTCAGAGTTCCTGAACGGTCTACTTAC[A>G]TTGAGCTGTCTCCAAGTTCTTCATAGAGATGCGCACCTGGCGGAGGCGGCGGCGGCGGCG-3'
Protein context (NP_001371069.1, residues 1446-1466): HLYEELGDSS[Ile1456Thr]WSFCWQLVIC